The following is an entry in ClinVar:

ClinVar aggregate classification (germline): Uncertain significance (1 of 4 stars; one submission).

Submission:

Ambry Genetics
Classification: Uncertain significance. Last evaluated: 2025-08-08. Review status: criteria provided, single submitter. Criteria: Ambry Variant Classification Scheme 2023. Collection method: clinical testing. Allele origin: germline.
Comment: The p.G192C variant (also known as c.574G>T), located in coding exon 4 of the GEN1 gene, results from a G to T substitution at nucleotide position 574. The glycine at codon 192 is replaced by cysteine, an amino acid with highly dissimilar properties. This amino acid position is conserved. In addition, the in silico prediction for this alteration is inconclusive. Based on the available evidence, the clinical significance of this variant remains unclear.

NM_001130009.3(GEN1):c.574G>T (p.Gly192Cys)

Gene: GEN1 (GEN1 Holliday junction 5' flap endonuclease; plus strand). Cytogenetic location: 2p24.2.
Variant type: single nucleotide variant.
Coding change: c.574G>T on transcript NM_001130009.3 (MANE Select); coding-DNA position 574, G replaced by T.
Protein change: p.Gly192Cys; replaces glycine 192 with cysteine.
Molecular consequence: missense variant.
Genome position (GRCh38, 1-based): chr2:17,766,627, G>T. VCF-style: chr2-17766627-G-T. GRCh37 (hg19) VCF-style: chr2-17947894-G-T.
Other names: c.574G>T, p.Gly192Cys (NM_182625.5); short protein forms G192C.
Identifiers: ClinVar variation 4263065 (VCV004263065.1).